The following is an entry in ClinVar:

NM_000188.3(HK1):c.1616G>A (p.Arg539His)

Gene: HK1 (hexokinase 1; plus strand). Cytogenetic location: 10q22.1.
Variant type: single nucleotide variant.
Coding change: c.1616G>A on transcript NM_000188.3 (MANE Select); coding-DNA position 1616, G replaced by A.
Protein change: p.Arg539His; replaces arginine 539 with histidine.
Molecular consequence: missense variant.
Genome position (GRCh38, 1-based): chr10:69,384,378, G>A. VCF-style: chr10-69384378-G-A. GRCh37 (hg19) VCF-style: chr10-71144134-G-A.
Other names: c.1628G>A, p.Arg543His (NM_001322364.2, NM_001358263.1, NM_033497.3 and 1 more transcripts); c.1721G>A, p.Arg574His (NM_001322365.2); c.1532G>A, p.Arg511His (NM_001322366.1); c.1520G>A, p.Arg507His (NM_001322367.1); c.1613G>A, p.Arg538His (NM_033496.3); c.1580G>A, p.Arg527His (NM_033500.2); short protein forms R527H, R539H, R507H, R538H, R574H, R511H, R543H.
Identifiers: ClinVar variation 424598 (VCV000424598.4), dbSNP rs1064797062, ClinGen allele CA16618973.

ClinVar aggregate classification (germline): Uncertain significance. Review status: criteria provided, single submitter (1 of 4 stars). 2 submissions from 2 submitters: Uncertain significance (1). 1 of the submissions does not count toward it. Last evaluated 2017-04-03.

Conditions:
HK1-related disorder. Also called: HK1-related condition; HK1-related disorders.

Allele frequency attached by ClinVar (database versions not stated): gnomAD exomes below 0.00001.

Submissions (2):

GeneDx
Classification: Uncertain significance. Last evaluated: 2017-04-03. Review status: criteria provided, single submitter. Criteria: GeneDx Variant Classification (06012015). Collection method: clinical testing. Allele origin: germline. Affected: yes.
Comment: The R539H variant in the HK1 gene has not been reported previously as a pathogenic variant, nor as a benign variant, to our knowledge. The R539H variant is not observed in large population cohorts (Lek et al., 2016; 1000 Genomes Consortium et al., 2015; Exome Variant Server). The R539H variant is a conservative amino acid substitution, which is not likely to impact secondary protein structure as these residues share similar properties. This substitution occurs at a position that is conserved across species. In silico analysis predicts this variant is probably damaging to the protein structure/function. We interpret R539H as a variant of uncertain significance.

PreventionGenetics, part of Exact Sciences
Classification: Uncertain significance for HK1-related condition. Last evaluated: 2024-01-19. Review status: no assertion criteria provided. Collection method: clinical testing. Allele origin: germline. Not counted in ClinVar's aggregate classification.
Comment: The HK1 c.1616G>A variant is predicted to result in the amino acid substitution p.Arg539His. To our knowledge, this variant has not been reported in the literature or in a large population database, indicating this variant is rare. At this time, the clinical significance of this variant is uncertain due to the absence of conclusive functional and genetic evidence.